The following is an entry in ClinVar:

NM_000038.6(APC):c.8028A>G (p.Thr2676=)

Gene: APC (APC regulator of Wnt signaling pathway; plus strand). Cytogenetic location: 5q22.2.
Variant type: single nucleotide variant.
Coding change: c.8028A>G on transcript NM_000038.6 (MANE Select); coding-DNA position 8028, A replaced by G.
Protein change: p.Thr2676=; no amino-acid change (threonine 2676 retained).
Molecular consequence: synonymous variant. On other transcripts: non-coding transcript variant (2).
Genome position (GRCh38, 1-based): chr5:112,843,622, A>G. VCF-style: chr5-112843622-A-G. GRCh37 (hg19) VCF-style: chr5-112179319-A-G.
Other names: c.8028A>G, p.Thr2676= (NM_001127510.3, NM_001354895.2, NM_001407450.1); c.7974A>G, p.Thr2658= (NM_001127511.3); c.8082A>G, p.Thr2694= (NM_001354896.2, NM_001407447.1, NM_001407448.1 and 1 more transcripts); c.8058A>G, p.Thr2686= (NM_001354897.2); c.7953A>G, p.Thr2651= (NM_001354898.2); c.7944A>G, p.Thr2648= (NM_001354899.2); c.7905A>G, p.Thr2635= (NM_001354900.2); c.7851A>G, p.Thr2617= (NM_001354901.2, NM_001407453.1); and 11 more.
Identifiers: ClinVar variation 3253883 (VCV003253883.1), dbSNP rs2149998111.

ClinVar aggregate classification (germline): Benign (1 of 4 stars; one submission).

Conditions:
Familial adenomatous polyposis 1 (FAP1). Also called: POLYPOSIS, ADENOMATOUS INTESTINAL; FAMILIAL ADENOMATOUS POLYPOSIS 1, ATTENUATED. Identifiers: MedGen C2713442, MONDO:0021056, OMIM 175100. Disease mechanism: loss of function.

Submission:

Myriad Genetics, Inc.
Classification: Benign for Familial adenomatous polyposis 1. Last evaluated: 2024-04-12. Review status: criteria provided, single submitter. Criteria: Myriad Autosomal Dominant, Autosomal Recessive and X-Linked Classification Criteria (2023). Collection method: clinical testing. Allele origin: unknown.
Comment: This variant is considered benign. This variant is a silent/synonymous amino acid change and it is not expected to impact splicing.